The following is an entry in ClinVar:

NM_032620.4(GTPBP3):c.301+5G>A

Gene: GTPBP3 (GTP binding protein 3, mitochondrial; plus strand). Cytogenetic location: 19p13.11.
Variant type: single nucleotide variant.
Coding change: c.301+5G>A on transcript NM_032620.4 (MANE Select); 5 bases into the intron after coding-DNA position 301, G replaced by A.
Molecular consequence: intron variant.
Genome position (GRCh38, 1-based): chr19:17,338,260, G>A. VCF-style: chr19-17338260-G-A. GRCh37 (hg19) VCF-style: chr19-17449069-G-A.
Other names: c.367+5G>A (NM_001195422.1); c.301+5G>A (NM_133644.4, NM_001128855.3).
Identifiers: ClinVar variation 4685337 (VCV004685337.1).

ClinVar aggregate classification (germline): Uncertain significance (1 of 4 stars; one submission).

Submission:

GeneDx
Classification: Uncertain significance. Last evaluated: 2025-07-12. Review status: criteria provided, single submitter. Criteria: GeneDx Variant Classification Process June 2021. Collection method: clinical testing. Allele origin: germline. Affected: yes.
Comment: Not observed at significant frequency in large population cohorts (gnomAD); Has not been previously published as pathogenic or benign to our knowledge; In silico analysis suggests this variant may impact gene splicing. In the absence of RNA/functional studies, the actual effect of this sequence change is unknown.